The following is an entry in ClinVar:

ClinVar aggregate classification (germline): Uncertain significance (1 of 4 stars; one submission).

Conditions:
Cardiovascular phenotype. Identifiers: MedGen CN230736.

Allele frequency attached by ClinVar (database versions not stated): gnomAD exomes below 0.00001.
gnomAD v4.1: 1 of 1,503,190 alleles (0.000067%); highest among the groups gnomAD compares: Non-Finnish European, 0.000088%; no homozygotes.

Submission:

Ambry Genetics
Classification: Uncertain significance for Cardiovascular phenotype. Last evaluated: 2022-03-23. Review status: criteria provided, single submitter. Criteria: Ambry Variant Classification Scheme 2023. Collection method: clinical testing. Allele origin: germline.
Comment: The p.A1041G variant (also known as c.3122C>G), located in coding exon 1 of the ZNF469 gene, results from a C to G substitution at nucleotide position 3122. The alanine at codon 1041 is replaced by glycine, an amino acid with similar properties. This amino acid position is conserved. In addition, this alteration is predicted to be tolerated by in silico analysis. Since supporting evidence is limited at this time, the clinical significance of this alteration remains unclear.

NM_001367624.2(ZNF469):c.3122C>G (p.Ala1041Gly)

Gene: ZNF469 (zinc finger protein 469; plus strand). Cytogenetic location: 16q24.2.
Variant type: single nucleotide variant.
Coding change: c.3122C>G on transcript NM_001367624.2 (MANE Select); coding-DNA position 3122, C replaced by G.
Protein change: p.Ala1041Gly; replaces alanine 1041 with glycine.
Molecular consequence: missense variant.
Genome position (GRCh38, 1-based): chr16:88,430,592, C>G. VCF-style: chr16-88430592-C-G. GRCh37 (hg19) VCF-style: chr16-88497000-C-G.
Other names: NM_001127464.1:c.3122C>G; short protein forms A1041G.
Identifiers: ClinVar variation 1727874 (VCV001727874.2), dbSNP rs2507581913, ClinGen allele CA397077642.